The following is an entry in ClinVar:

ClinVar aggregate classification (germline): Conflicting classifications of pathogenicity. Review status: criteria provided, conflicting classifications (1 of 4 stars). 6 submissions from 6 submitters: Uncertain significance (1); Likely benign (4). 1 of the submissions does not count toward it. Last evaluated 2026-04-15.

Conditions:
Primary ciliary dyskinesia. Also called: Ciliary dyskinesia. Identifiers: Orphanet 244, MedGen C0008780, MONDO:0016575, HP:0012265.
DNAH5-related disorder. Also called: DNAH5-related condition.

Allele frequency attached by ClinVar (database versions not stated): ESP Exome Variant Server 0.00092; gnomAD 0.00089; 1000 Genomes Project 30x 0.00062; TOPMed 0.00128.
gnomAD v4.1: 361 of 1,614,046 alleles (0.022%); highest among the groups gnomAD compares: African/African-American, 0.38%; 3 homozygotes.

Submissions (6):

GeneDx
Classification: Uncertain significance. Last evaluated: 2026-04-15. Review status: criteria provided, single submitter. Criteria: GeneDx Variant Classification Process June 2021. Collection method: clinical testing. Allele origin: germline.
Comment: In silico analysis supports that this missense variant has a deleterious effect on protein structure/function; Has not been previously published as pathogenic or benign to our knowledge

Labcorp Genetics (formerly Invitae), Labcorp
Classification: Likely benign for Primary ciliary dyskinesia. Last evaluated: 2026-01-24. Review status: criteria provided, single submitter. Criteria: Invitae Variant Classification Sherloc (09022015). Collection method: clinical testing. Allele origin: germline.

Ambry Genetics
Classification: Likely benign for Primary ciliary dyskinesia. Last evaluated: 2025-05-12. Review status: criteria provided, single submitter. Criteria: Ambry Variant Classification Scheme 2023. Collection method: clinical testing. Allele origin: germline.

Blueprint Genetics
Classification: Likely benign. Last evaluated: 2024-07-31. Review status: criteria provided, single submitter. Criteria: ACMG Guidelines, 2015. Collection method: clinical testing. Allele origin: germline.

Breakthrough Genomics
Classification: Likely benign. Review status: criteria provided, single submitter. Criteria: ACMG Guidelines, 2015. Collection method: not provided. Allele origin: germline. Inheritance: Autosomal recessive inheritance. Affected: yes.

PreventionGenetics, part of Exact Sciences
Classification: Likely benign for DNAH5-related condition. Last evaluated: 2023-10-13. Review status: no assertion criteria provided. Collection method: clinical testing. Allele origin: germline. Not counted in ClinVar's aggregate classification.
Comment: This variant is classified as likely benign based on ACMG/AMP sequence variant interpretation guidelines (Richards et al. 2015 PMID: 25741868, with internal and published modifications).

NM_001369.3(DNAH5):c.6715C>T (p.Pro2239Ser)

Gene: DNAH5 (dynein axonemal heavy chain 5; minus strand). Cytogenetic location: 5p15.2.
Variant type: single nucleotide variant.
Coding change: c.6715C>T on transcript NM_001369.3 (MANE Select); coding-DNA position 6715, C replaced by T.
Protein change: p.Pro2239Ser; replaces proline 2239 with serine.
Molecular consequence: missense variant.
Genome position (GRCh38, 1-based): chr5:13,820,472, G>A on the plus strand (C>T on the coding strand, the complement: DNAH5 is on the minus strand). VCF-style: chr5-13820472-G-A. GRCh37 (hg19) VCF-style: chr5-13820581-G-A.
Other names: short protein forms P2239S.
Identifiers: ClinVar variation 414361 (VCV000414361.27), dbSNP rs112360385, ClinGen allele CA3203291.
Genomic context (GRCh38, chr5:13,820,472, plus strand): 5'-TCATCCCATGTCGCACTCTCTGCGTTTCGAATAGCTGGATGACCTTCAGTTTCCAAGGAG[G>A]ATGGTTGATTAAACCAGCTTCTTCAACCTGAAAACATAAGAGAATCCCCACATTGAAACA-3'
Protein context (NP_001360.1, residues 2229-2249): QVEEAGLINH[Pro2239Ser]PWKLKVIQLF